The following is an entry in ClinVar:

ClinVar aggregate classification (germline): Uncertain significance (1 of 4 stars; one submission).

Conditions:
Hereditary spastic paraplegia 4. Also called: Spastic paraplegia 4, autosomal dominant; Familial spastic paraplegia autosomal dominant 2; Spastic Paraplegia 4. Identifiers: Orphanet 100985, MedGen C1866855, MONDO:0008438, OMIM 182601.

Allele frequency attached by ClinVar (database versions not stated): gnomAD exomes below 0.00001.
gnomAD v4.1: 1 of 1,606,240 alleles (0.000062%); highest among the groups gnomAD compares: Non-Finnish European, 0.000085%; no homozygotes.

Submission:

Labcorp Genetics (formerly Invitae), Labcorp
Classification: Uncertain significance for Hereditary spastic paraplegia 4. Last evaluated: 2022-07-09. Review status: criteria provided, single submitter. Criteria: Invitae Variant Classification Sherloc (09022015). Collection method: clinical testing. Allele origin: germline.
Comment: In summary, the available evidence is currently insufficient to determine the role of this variant in disease. Therefore, it has been classified as a Variant of Uncertain Significance. Variants that disrupt the consensus splice site are a relatively common cause of aberrant splicing (PMID: 17576681, 9536098). Algorithms developed to predict the effect of sequence changes on RNA splicing suggest that this variant is not likely to affect RNA splicing. This variant has not been reported in the literature in individuals affected with SPAST-related conditions. This variant is not present in population databases (gnomAD no frequency). This sequence change falls in intron 10 of the SPAST gene. It does not directly change the encoded amino acid sequence of the SPAST protein. It affects a nucleotide within the consensus splice site.

Literature cited by the submitters: PubMed 17576681; PubMed 9536098.

NM_014946.4(SPAST):c.1321+3A>G

Gene: SPAST (spastin; plus strand). Cytogenetic location: 2p22.3.
Variant type: single nucleotide variant.
Coding change: c.1321+3A>G on transcript NM_014946.4 (MANE Select); 3 bases into the intron after coding-DNA position 1321, A replaced by G.
Molecular consequence: intron variant.
Genome position (GRCh38, 1-based): chr2:32,136,641, A>G. VCF-style: chr2-32136641-A-G. GRCh37 (hg19) VCF-style: chr2-32361710-A-G.
Other names: c.1225+3A>G (NM_199436.2, NM_001377959.1); c.1318+3A>G (NM_001363823.2); c.1222+3A>G (NM_001363875.2).
Identifiers: ClinVar variation 2111251 (VCV002111251.4), dbSNP rs2465883253, ClinGen allele CA2531408268.